The following is an entry in ClinVar:

NM_000277.3(PAH):c.453T>A (p.Asp151Glu)

Gene: PAH (phenylalanine hydroxylase; minus strand). Cytogenetic location: 12q23.2.
Variant type: single nucleotide variant.
Coding change: c.453T>A on transcript NM_000277.3 (MANE Select); coding-DNA position 453, T replaced by A.
Protein change: p.Asp151Glu; replaces aspartic acid 151 with glutamic acid.
Molecular consequence: missense variant.
Genome position (GRCh38, 1-based): chr12:102,866,652, A>T on the plus strand (T>A on the coding strand, the complement: PAH is on the minus strand). VCF-style: chr12-102866652-A-T. GRCh37 (hg19) VCF-style: chr12-103260430-A-T.
Other names: NM_001354304.2:c.453T>A; c.453T>A, p.Asp151Glu (NM_001354304.2); short protein forms D151E.
Identifiers: ClinVar variation 3393464 (VCV003393464.2).

ClinVar aggregate classification (germline): Likely pathogenic. Review status: reviewed by expert panel (3 of 4 stars). 2 submissions from 2 submitters: Likely pathogenic (1). 1 of the submissions does not count toward it. Last evaluated 2024-11-17.

Conditions:
Phenylketonuria (PKU). Also called: FOLLING DISEASE; OLIGOPHRENIA PHENYLPYRUVICA; Phenylketonurias; Phenylketonuria (PKU). Identifiers: Orphanet 716, MedGen C0031485, MONDO:0009861, OMIM 261600. Disease mechanism: loss of function.

Submissions (2):

ClinGen PAH Variant Curation Expert Panel
Classification: Likely pathogenic for Phenylketonuria. Last evaluated: 2024-11-17. Review status: reviewed by expert panel. Criteria: ClinGen PAH ACMG Specifications v1. Collection method: curation. Allele origin: germline. Inheritance: Autosomal recessive inheritance.
Comment: The c.453T>A (p.Asp151Glu) variant in PAH has been reported in two patients with PAH deficiency: a patient with mild HPA, detected with pathogenic variant T380M (PMID: 11552030); and a patient with classic PKU, detected with pathogenic variant c.1066-11G>A (PMID: 23856132). This variant is absent from gnomAD. Multiple lines of computational evidence support a deleterious effect (REVEL=0.935). In summary, this variant meets criteria to be classified as likely pathogenic for PAH. PAH-specific ACMG/AMP criteria applied: PM2_supporting, PM3, PP3_strong, PP4_moderate.

Women's Health and Genetics/Laboratory Corporation of America, LabCorp
Classification: Uncertain significance. Last evaluated: 2024-12-06. Review status: criteria provided, single submitter. Criteria: LabCorp Variant Classification Summary - May 2015. Collection method: clinical testing. Allele origin: germline. Not counted in ClinVar's aggregate classification.
Comment: Variant summary: PAH c.453T>A (p.Asp151Glu) results in a conservative amino acid change located in the Biopterin-dependent aromatic amino acid hydroxylase domain (IPR019774) of the encoded protein sequence. Four of five in-silico tools predict a damaging effect of the variant on protein function. The variant was absent in 251298 control chromosomes. c.453T>A has been reported in the literature in at-least three individuals affected with Phenylalanine Hydroxylase Deficiency (Phenylketonuria) (Hillert_2020, Murad_2013, Manti_2019). These data indicate that the variant may be associated with disease. To our knowledge, no experimental evidence demonstrating an impact on protein function has been reported. The following publications have been ascertained in the context of this evaluation (PMID: 32668217, 30337205, 23856132). No submitters have cited clinical-significance assessments for this variant to ClinVar. Based on the evidence outlined above, the variant was classified as VUS-possibly pathogenic.

Literature cited by the submitters: PubMed 23856132 (cited by Women's Health and Genetics/Laboratory Corporation of America, LabCorp); PubMed 32668217 (cited by Women's Health and Genetics/Laboratory Corporation of America, LabCorp); PubMed 30337205 (cited by Women's Health and Genetics/Laboratory Corporation of America, LabCorp).